The following is an entry in ClinVar:

NM_020693.4(DSCAML1):c.5139A>G (p.Thr1713=)

Gene: DSCAML1 (DS cell adhesion molecule like 1; minus strand). Cytogenetic location: 11q23.3.
Variant type: single nucleotide variant.
Coding change: c.5139A>G on transcript NM_020693.4 (MANE Select); coding-DNA position 5139, A replaced by G.
Protein change: p.Thr1713=; no amino-acid change (threonine 1713 retained).
Molecular consequence: synonymous variant.
Genome position (GRCh38, 1-based): chr11:117,432,392, T>C on the plus strand (A>G on the coding strand, the complement: DSCAML1 is on the minus strand). VCF-style: chr11-117432392-T-C. GRCh37 (hg19) VCF-style: chr11-117303108-T-C.
Other names: c.5319A>G (NM_020693.3).
Identifiers: ClinVar variation 1595327 (VCV001595327.11), dbSNP rs76347292, ClinGen allele CA6296157.

ClinVar aggregate classification (germline): Benign. Review status: criteria provided, multiple submitters, no conflicts (2 of 4 stars). 3 submissions from 3 submitters: Benign (2). 1 of the submissions does not count toward it. Last evaluated 2026-02-01.

Conditions:
DSCAML1-related disorder. Also called: DSCAML1-related condition.

Allele frequency attached by ClinVar (database versions not stated): ESP Exome Variant Server 0.04317; gnomAD 0.04820 and 0.04516; TOPMed 0.04263; 1000 Genomes Project 0.06530; gnomAD exomes 0.06386 and 0.06416; 1000 Genomes Project 30x 0.06433; ExAC 0.06673.
gnomAD v4.1: 100,659 of 1,613,990 alleles (6.2%); highest among the groups gnomAD compares: South Asian, 15%; 3,901 homozygotes.

Submissions (3):

Labcorp Genetics (formerly Invitae), Labcorp
Classification: Benign. Last evaluated: 2026-02-01. Review status: criteria provided, single submitter. Criteria: Invitae Variant Classification Sherloc (09022015). Collection method: clinical testing. Allele origin: germline.

Breakthrough Genomics
Classification: Benign. Review status: criteria provided, single submitter. Criteria: ACMG Guidelines, 2015. Collection method: not provided. Allele origin: germline. Inheritance: Unknown mechanism. Affected: yes.

PreventionGenetics, part of Exact Sciences
Classification: Benign for DSCAML1-related condition. Last evaluated: 2019-05-27. Review status: no assertion criteria provided. Collection method: clinical testing. Allele origin: germline. Not counted in ClinVar's aggregate classification.
Comment: This variant is classified as benign based on ACMG/AMP sequence variant interpretation guidelines (Richards et al. 2015 PMID: 25741868, with internal and published modifications).